The following is an entry in ClinVar:

ClinVar aggregate classification (germline): Uncertain significance (1 of 4 stars; one submission).

gnomAD v4.1: 3 of 1,614,212 alleles (0.00019%); highest among the groups gnomAD compares: African/African-American, 0.0013%; no homozygotes.

Submission:

CeGaT Center for Human Genetics Tuebingen
Classification: Uncertain significance. Last evaluated: 2024-11-01. Review status: criteria provided, single submitter. Criteria: CeGaT Center For Human Genetics Tuebingen Variant Classification Criteria Version 2. Collection method: clinical testing. Allele origin: germline. Affected: yes. Observed: 1 variant allele.
Comment: POLR3A: PM2

NM_007055.4(POLR3A):c.413A>G (p.Gln138Arg)

Genes: POLR3A (RNA polymerase III subunit A; minus strand), LOC126860971 (CDK7 strongly-dependent group 2 enhancer GRCh37_chr10:79784551-79785750; plus strand). Cytogenetic location: 10q22.3.
Variant type: single nucleotide variant.
Coding change: c.413A>G on transcript NM_007055.4 (MANE Select); coding-DNA position 413, A replaced by G.
Protein change: p.Gln138Arg; replaces glutamine 138 with arginine.
Molecular consequence: missense variant.
Genome position (GRCh38, 1-based): chr10:78,025,048, T>C on the plus strand (A>G on the coding strand, the complement: POLR3A is on the minus strand). VCF-style: chr10-78025048-T-C. GRCh37 (hg19) VCF-style: chr10-79784806-T-C.
Other names: short protein forms Q138R.
Identifiers: ClinVar variation 3390165 (VCV003390165.14).